The following is an entry in ClinVar:

NM_001378418.1(TCF20):c.190G>A (p.Ala64Thr)

Gene: TCF20 (transcription factor 20; minus strand). Cytogenetic location: 22q13.2.
Variant type: single nucleotide variant.
Coding change: c.190G>A on transcript NM_001378418.1 (MANE Select); coding-DNA position 190, G replaced by A.
Protein change: p.Ala64Thr; replaces alanine 64 with threonine.
Molecular consequence: missense variant.
Genome position (GRCh38, 1-based): chr22:42,215,116, C>T on the plus strand (G>A on the coding strand, the complement: TCF20 is on the minus strand). VCF-style: chr22-42215116-C-T. GRCh37 (hg19) VCF-style: chr22-42611122-C-T.
Other names: c.190G>A, p.Ala64Thr (NM_005650.4, NM_181492.3); short protein forms A64T.
Identifiers: ClinVar variation 4804458 (VCV004804458.1).
Genomic context (GRCh38, chr22:42,215,116, plus strand): 5'-TCCTGAAACCCTGGTAACCTTGATGGCCAGAGGTCTCGCTAGCCATCGCTGCCGCAGCAG[C>T]TGCTGCTCCTCGTCGTCCACCACCACTGCCACTGCCACTGCTGCCACTACTGCCACCTGT-3'
Protein context (NP_001365347.1, residues 54-74): GSGGGRRGAA[Ala64Thr]AAAAMASETS

ClinVar aggregate classification (germline): Uncertain significance (1 of 4 stars; one submission).

gnomAD v4.1: 1 of 1,614,212 alleles (0.000062%); highest among the groups gnomAD compares: Admixed American, 0.0017%; no homozygotes.

Submission:

Labcorp Genetics (formerly Invitae), Labcorp
Classification: Uncertain significance. Last evaluated: 2025-03-05. Review status: criteria provided, single submitter. Criteria: Invitae Variant Classification Sherloc (09022015). Collection method: clinical testing. Allele origin: germline.
Comment: This sequence change replaces alanine, which is neutral and non-polar, with threonine, which is neutral and polar, at codon 64 of the TCF20 protein (p.Ala64Thr). This variant is present in population databases (no rsID available, gnomAD 0.003%). This variant has not been reported in the literature in individuals affected with TCF20-related conditions. An algorithm developed to predict the effect of missense changes on protein structure and function outputs the following: PolyPhen-2: "Benign". The threonine amino acid residue is found in multiple mammalian species, which suggests that this missense change does not adversely affect protein function. In summary, the available evidence is currently insufficient to determine the role of this variant in disease. Therefore, it has been classified as a Variant of Uncertain Significance.